The following is an entry in ClinVar:

NM_022773.4(LMF1):c.854G>A (p.Arg285Gln)

Gene: LMF1 (lipase maturation factor 1; minus strand). Cytogenetic location: 16p13.3.
Variant type: single nucleotide variant.
Coding change: c.854G>A on transcript NM_022773.4 (MANE Select); coding-DNA position 854, G replaced by A.
Protein change: p.Arg285Gln; replaces arginine 285 with glutamine.
Molecular consequence: missense variant. On other transcripts: non-coding transcript variant (1).
Genome position (GRCh38, 1-based): chr16:879,613, C>T on the plus strand (G>A on the coding strand, the complement: LMF1 is on the minus strand). VCF-style: chr16-879613-C-T. GRCh37 (hg19) VCF-style: chr16-929613-C-T.
Other names: c.203G>A, p.Arg68Gln (NM_001352017.2, NM_001352021.2); c.455G>A, p.Arg152Gln (NM_001352018.2); c.527G>A, p.Arg176Gln (NM_001352019.2); c.854G>A, p.Arg285Gln (NM_001352020.1); short protein forms R285Q, R68Q, R152Q, R176Q.
Identifiers: ClinVar variation 1763817 (VCV001763817.4), dbSNP rs374533571, ClinGen allele CA276585884.

ClinVar aggregate classification (germline): Uncertain significance (1 of 4 stars; one submission).

Conditions:
Cardiovascular phenotype. Identifiers: MedGen CN230736.

Allele frequency attached by ClinVar (database versions not stated): gnomAD exomes 0.00001; gnomAD 0.00004; TOPMed 0.00005; ESP Exome Variant Server 0.00008.

Submission:

Ambry Genetics
Classification: Uncertain significance for Cardiovascular phenotype. Last evaluated: 2025-08-30. Review status: criteria provided, single submitter. Criteria: Ambry Variant Classification Scheme 2023. Collection method: clinical testing. Allele origin: germline.
Comment: The p.R285Q variant (also known as c.854G>A), located in coding exon 6 of the LMF1 gene, results from a G to A substitution at nucleotide position 854. The arginine at codon 285 is replaced by glutamine, an amino acid with highly similar properties. This amino acid position is conserved. In addition, this alteration is predicted to be tolerated by in silico analysis. Since supporting evidence is limited at this time, the clinical significance of this alteration remains unclear.